The following is an entry in ClinVar:

NM_177438.3(DICER1):c.-20A>G

Gene: DICER1 (dicer 1, ribonuclease III; minus strand). Cytogenetic location: 14q32.13.
Variant type: single nucleotide variant.
Coding change: c.-20A>G on transcript NM_177438.3 (MANE Select); 20 bases upstream of the start codon, A replaced by G.
Molecular consequence: 5 prime UTR variant.
Genome position (GRCh38, 1-based): chr14:95,133,478, T>C on the plus strand (A>G on the coding strand, the complement: DICER1 is on the minus strand). VCF-style: chr14-95133478-T-C. GRCh37 (hg19) VCF-style: chr14-95599815-T-C.
Other names: c.-20A>G (NM_001195573.1, NM_001271282.3, NM_001291628.2 and 1 more transcripts).
Identifiers: ClinVar variation 513932 (VCV000513932.9), dbSNP rs370105837, ClinGen allele CA7331764.
Genomic context (GRCh38, chr14:95,133,478, plus strand): 5'-AGGCCTGCCATGCTGAGGGGTTGCAAAGCAGGGCTTTTCATTCATCCAGTGTTTCTTTCA[T>C]TGCATTTTTGTTCTAGCACAGCTTACTACAAAAGGGAAAAAGAATACCATTACACAATCA-3'

ClinVar aggregate classification (germline): Likely benign. Review status: criteria provided, multiple submitters, no conflicts (2 of 4 stars). 3 submissions from 3 submitters: Likely benign (3). Last evaluated 2025-03-04.

Allele frequency attached by ClinVar (database versions not stated): TOPMed 0.00007; gnomAD 0.00011; gnomAD exomes 0.00015 and 0.00024; ExAC 0.00017; ESP Exome Variant Server 0.00046.
gnomAD v4.1: 354 of 1,605,436 alleles (0.022%); highest among the groups gnomAD compares: Non-Finnish European, 0.029%; no homozygotes.

Submissions (3):

Center for Genomic Medicine, Rigshospitalet, Copenhagen University Hospital
Classification: Likely benign. Last evaluated: 2025-03-04. Review status: criteria provided, single submitter. Criteria: ACMG Guidelines, 2015. Collection method: clinical testing. Allele origin: germline.

Blueprint Genetics
Classification: Likely benign. Last evaluated: 2023-12-08. Review status: criteria provided, single submitter. Criteria: ACMG Guidelines, 2015. Collection method: clinical testing. Allele origin: germline.

GeneDx
Classification: Likely benign. Last evaluated: 2017-12-01. Review status: criteria provided, single submitter. Criteria: GeneDx Variant Classification (06012015). Collection method: clinical testing. Allele origin: germline. Affected: yes.
Comment: This variant is considered likely benign or benign based on one or more of the following criteria: it is a conservative change, it occurs at a poorly conserved position in the protein, it is predicted to be benign by multiple in silico algorithms, and/or has population frequency not consistent with disease.